The following is an entry in ClinVar:

ClinVar aggregate classification (germline): Likely pathogenic (1 of 4 stars; one submission).

Submission:

GeneDx
Classification: Likely pathogenic. Last evaluated: 2024-02-28. Review status: criteria provided, single submitter. Criteria: GeneDx Variant Classification Process June 2021. Collection method: clinical testing. Allele origin: germline. Affected: yes.
Comment: Not observed at significant frequency in large population cohorts (gnomAD); Missense variants in this gene are a common cause of disease and they are underrepresented in the general population; In silico analysis supports that this missense variant does not alter protein structure/function; This variant is associated with the following publications: (PMID: 34490615)

NM_001101.5(ACTB):c.328C>G (p.Leu110Val)

Gene: ACTB (actin beta; minus strand). Cytogenetic location: 7p22.1.
Variant type: single nucleotide variant.
Coding change: c.328C>G on transcript NM_001101.5 (MANE Select); coding-DNA position 328, C replaced by G.
Protein change: p.Leu110Val; replaces leucine 110 with valine.
Molecular consequence: missense variant.
Genome position (GRCh38, 1-based): chr7:5,529,196, G>C on the plus strand (C>G on the coding strand, the complement: ACTB is on the minus strand). VCF-style: chr7-5529196-G-C. GRCh37 (hg19) VCF-style: chr7-5568827-G-C.
Other names: short protein forms L110V.
Identifiers: ClinVar variation 3342613 (VCV003342613.1).